The following is an entry in ClinVar:

ClinVar aggregate classification (germline): Uncertain significance (1 of 4 stars; one submission).

gnomAD v4.1: 1 of 1,613,988 alleles (0.000062%); highest among the groups gnomAD compares: Non-Finnish European, 0.000085%; no homozygotes.

Submission:

Women's Health and Genetics/Laboratory Corporation of America, LabCorp
Classification: Uncertain significance. Last evaluated: 2024-09-16. Review status: criteria provided, single submitter. Criteria: LabCorp Variant Classification Summary - May 2015. Collection method: clinical testing. Allele origin: germline.
Comment: Variant summary: HTRA2 c.1009C>A (p.Arg337Ser) results in a non-conservative amino acid change in the encoded protein sequence. Three of five in-silico tools predict a damaging effect of the variant on protein function. The variant was absent in 251380 control chromosomes. The available data on variant occurrences in the general population are insufficient to allow any conclusion about variant significance. To our knowledge, no occurrence of c.1009C>A in individuals affected with HTRA2-Related Disorders and no experimental evidence demonstrating its impact on protein function have been reported. No submitters have cited clinical-significance assessments for this variant to ClinVar. Based on the evidence outlined above, the variant was classified as uncertain significance.

NM_013247.5(HTRA2):c.1009C>A (p.Arg337Ser)

Gene: HTRA2 (HtrA serine peptidase 2; plus strand). Cytogenetic location: 2p13.1.
Variant type: single nucleotide variant.
Coding change: c.1009C>A on transcript NM_013247.5 (MANE Select); coding-DNA position 1009, C replaced by A.
Protein change: p.Arg337Ser; replaces arginine 337 with serine.
Molecular consequence: missense variant. On other transcripts: non-coding transcript variant (4).
Genome position (GRCh38, 1-based): chr2:74,531,666, C>A. VCF-style: chr2-74531666-C-A. GRCh37 (hg19) VCF-style: chr2-74758793-C-A.
Other names: c.1039C>A, p.Arg347Ser (NM_001321727.1); c.1009C>A, p.Arg337Ser (NM_001321728.1); c.814C>A, p.Arg272Ser (NM_145074.2); short protein forms R272S, R337S, R347S.
Identifiers: ClinVar variation 3374766 (VCV003374766.1).
Genomic context (GRCh38, chr2:74,531,666, plus strand): 5'-GTGATTGGAGTGAACACCATGAAGGTCACAGCTGGAATCTCCTTTGCCATCCCTTCTGAT[C>A]GTCTTCGAGAGTTTCTGCATCGTGGGGAAAAGAAGAGTGAGCCTGCCTTATGGGGAAACG-3'
Protein context (NP_037379.1, residues 327-347): AGISFAIPSD[Arg337Ser]LREFLHRGEK